The following is an entry in ClinVar:

NM_032482.3(DOT1L):c.1171C>A (p.Pro391Thr)

Gene: DOT1L (DOT1 like histone lysine methyltransferase; plus strand). Cytogenetic location: 19p13.3.
Variant type: single nucleotide variant.
Coding change: c.1171C>A on transcript NM_032482.3 (MANE Select); coding-DNA position 1171, C replaced by A.
Protein change: p.Pro391Thr; replaces proline 391 with threonine.
Molecular consequence: missense variant.
Genome position (GRCh38, 1-based): chr19:2,210,675, C>A. VCF-style: chr19-2210675-C-A. GRCh37 (hg19) VCF-style: chr19-2210674-C-A.
Other names: c.1171C>A, p.Pro391Thr (NM_001411141.1); short protein forms P391T.
Identifiers: ClinVar variation 4883678 (VCV004883678.2).

ClinVar aggregate classification (germline): Uncertain significance (1 of 4 stars; one submission).

Conditions:
Nil-Deshwar neurodevelopmental syndrome. Identifiers: MedGen C6012751, MONDO:0979246, OMIM 621265.

Submission:

Dasa
Classification: Uncertain significance for Nil-Deshwar neurodevelopmental syndrome. Last evaluated: 2026-02-08. Review status: criteria provided, single submitter. Criteria: DASA Assertion Criteria. Collection method: clinical testing. Allele origin: germline.
Comment: NM_032482.3(DOT1L):c.1171C>A (p.Pro391Thr) is a missense variant that results in the substitution of proline with threonine. This variant is absent from population databases. The currently available literature and clinical evidence are not sufficient to establish a definitive association between this variant and the reported condition. Therefore, this variant is classified as a variant of uncertain significance.